The following is an entry in ClinVar:

ClinVar aggregate classification (germline): Likely benign (0 of 4 stars; one submission).

Conditions:
ALMS1-related disorder. Also called: ALMS1-related condition.

Submission:

PreventionGenetics, part of Exact Sciences
Classification: Likely benign for ALMS1-related condition. Last evaluated: 2024-09-24. Review status: no assertion criteria provided. Collection method: clinical testing. Allele origin: germline.
Comment: This variant is classified as likely benign based on ACMG/AMP sequence variant interpretation guidelines (Richards et al. 2015 PMID: 25741868, with internal and published modifications).

NM_001378454.1(ALMS1):c.12057C>A (p.Gly4019=)

Genes: ALMS1 (ALMS1 centrosome and basal body associated protein; plus strand), LOC126806252 (BRD4-independent group 4 enhancer GRCh37_chr2:73828496-73829695; plus strand). Cytogenetic location: 2p13.1.
Variant type: single nucleotide variant.
Coding change: c.12057C>A on transcript NM_001378454.1 (MANE Select); coding-DNA position 12057, C replaced by A.
Protein change: p.Gly4019=; no amino-acid change (glycine 4019 retained).
Molecular consequence: synonymous variant.
Genome position (GRCh38, 1-based): chr2:73,601,379, C>A. VCF-style: chr2-73601379-C-A. GRCh37 (hg19) VCF-style: chr2-73828506-C-A.
Other names: c.12060C>A, p.Gly4020= (NM_015120.4).
Identifiers: ClinVar variation 3346354 (VCV003346354.1).